The following is an entry in ClinVar:

ClinVar aggregate classification (germline): Likely benign. Review status: criteria provided, multiple submitters, no conflicts (2 of 4 stars). 2 submissions from 2 submitters: Likely benign (2). Last evaluated 2023-10-15.

Conditions:
Multiple congenital anomalies-hypotonia-seizures syndrome 1 (MCAHS1). Also called: PIGN-CDG; Congenital disorder of glycosylation due to PIGN deficiency; GLYCOSYLPHOSPHATIDYLINOSITOL BIOSYNTHESIS DEFECT 3. Identifiers: Orphanet 280633, MedGen C3279775, MONDO:0013563, OMIM 614080.

Allele frequency attached by ClinVar (database versions not stated): gnomAD 0.00003; TOPMed 0.00003; ExAC 0.00003.
gnomAD v4.1: 10 of 1,613,570 alleles (0.00062%); highest among the groups gnomAD compares: East Asian, 0.02%; no homozygotes.

Submissions (2):

Labcorp Genetics (formerly Invitae), Labcorp
Classification: Likely benign for Multiple congenital anomalies-hypotonia-seizures syndrome 1. Last evaluated: 2023-10-15. Review status: criteria provided, single submitter. Criteria: Invitae Variant Classification Sherloc (09022015). Collection method: clinical testing. Allele origin: germline.

CeGaT Center for Human Genetics Tuebingen
Classification: Likely benign. Last evaluated: 2022-08-01. Review status: criteria provided, single submitter. Criteria: CeGaT Center For Human Genetics Tuebingen Variant Classification Criteria Version 2. Collection method: clinical testing. Allele origin: germline. Affected: yes. Observed: 1 variant allele.
Comment: PIGN: BP4, BP7

NM_176787.5(PIGN):c.2736C>G (p.Ala912=)

Gene: PIGN (phosphatidylinositol glycan anchor biosynthesis class N; minus strand). Cytogenetic location: 18q21.33.
Variant type: single nucleotide variant.
Coding change: c.2736C>G on transcript NM_176787.5 (MANE Select); coding-DNA position 2736, C replaced by G.
Protein change: p.Ala912=; no amino-acid change (alanine 912 retained).
Molecular consequence: synonymous variant.
Genome position (GRCh38, 1-based): chr18:62,045,916, G>C on the plus strand (C>G on the coding strand, the complement: PIGN is on the minus strand). VCF-style: chr18-62045916-G-C. GRCh37 (hg19) VCF-style: chr18-59713149-G-C.
Other names: c.2736C>G, p.Ala912= (NM_012327.6).
Identifiers: ClinVar variation 2648774 (VCV002648774.27), dbSNP rs757391517, ClinGen allele CA8981878.